The following is an entry in ClinVar:

NM_145290.4(ADGRA3):c.148C>G (p.Arg50Gly)

Gene: ADGRA3 (adhesion G protein-coupled receptor A3; minus strand). Cytogenetic location: 4p15.2.
Variant type: single nucleotide variant.
Coding change: c.148C>G on transcript NM_145290.4 (MANE Select); coding-DNA position 148, C replaced by G.
Protein change: p.Arg50Gly; replaces arginine 50 with glycine.
Molecular consequence: missense variant.
Genome position (GRCh38, 1-based): chr4:22,515,637, G>C on the plus strand (C>G on the coding strand, the complement: ADGRA3 is on the minus strand). VCF-style: chr4-22515637-G-C. GRCh37 (hg19) VCF-style: chr4-22517260-G-C.
Other names: c.148C>G (NM_145290.2); short protein forms R50G.
Identifiers: ClinVar variation 1047018 (VCV001047018.9), dbSNP rs770123865, ClinGen allele CA2874388.

ClinVar aggregate classification (germline): Uncertain significance. Review status: criteria provided, multiple submitters, no conflicts (2 of 4 stars). 2 submissions from 2 submitters: Uncertain significance (2). Last evaluated 2026-01-20.

Allele frequency attached by ClinVar (database versions not stated): TOPMed 0.00015; gnomAD 0.00025; gnomAD exomes 0.00029; 1000 Genomes Project 30x 0.00047; ExAC 0.00048.
gnomAD v4.1: 311 of 1,456,916 alleles (0.021%); highest among the groups gnomAD compares: South Asian, 0.11%; no homozygotes.

Submissions (2):

Labcorp Genetics (formerly Invitae), Labcorp
Classification: Uncertain significance. Last evaluated: 2026-01-20. Review status: criteria provided, single submitter. Criteria: Invitae Variant Classification Sherloc (09022015). Collection method: clinical testing. Allele origin: germline.
Comment: This sequence change replaces arginine, which is basic and polar, with glycine, which is neutral and non-polar, at codon 50 of the ADGRA3 protein (p.Arg50Gly). This variant is present in population databases (rs770123865, gnomAD 0.08%), and has an allele count higher than expected for a pathogenic variant. This variant has not been reported in the literature in individuals affected with ADGRA3-related conditions. ClinVar contains an entry for this variant (Variation ID: 1047018). An algorithm developed to predict the effect of missense changes on protein structure and function (PolyPhen-2) suggests that this variant is likely to be disruptive. In summary, the available evidence is currently insufficient to determine the role of this variant in disease. Therefore, it has been classified as a Variant of Uncertain Significance.

Ambry Genetics
Classification: Uncertain significance. Last evaluated: 2025-07-31. Review status: criteria provided, single submitter. Criteria: Ambry Variant Classification Scheme 2023. Collection method: clinical testing. Allele origin: germline.